The following is an entry in ClinVar:

NM_013247.5(HTRA2):c.353TGT[3] (p.Leu121del)

Gene: HTRA2 (HtrA serine peptidase 2; plus strand). Cytogenetic location: 2p13.1.
Variant type: Microsatellite.
Coding change: c.353TGT[3] on transcript NM_013247.5 (MANE Select); three copies in a row of the 3-base unit TGT starting at c.353; the reference has four copies in a row; one copy, 3 bases deleted.
Protein change: p.Leu121del; deletes leucine 121.
Molecular consequence: inframe deletion. On other transcripts: non-coding transcript variant (1).
Genome position (GRCh38, 1-based): chr2:74,530,368-74,530,370, TGT deleted; deleting any 3 consecutive bases within chr2:74,530,359-74,530,370 gives the same sequence; the position shown is the placement nearest the transcript's 3' end. VCF-style (leftmost placement, unchanged base first): chr2-74530358-CTGT-C. GRCh37 (hg19) VCF-style: chr2-74757485-CTGT-C.
Other names: c.353TGT[3], p.Leu121del (NM_001321727.1, NM_001321728.1, NM_145074.2); short protein forms L121del.
Identifiers: ClinVar variation 1426112 (VCV001426112.6), dbSNP rs746583618, ClinGen allele CA1728334.
Genomic context (GRCh38, chr2:74,530,358, plus strand): 5'-AACTCTGGAACCCGTTCGCGCGCGTGGCTGGCGGTGGCGCTGGGCGCTGGGGGGGCAGTG[CTGT>C]TGTTGTTGTGGGGCGGGGGTCGGGGTCCTCCGGCCGTCCTCGCCGCCGTCCCTAGCCCGC-3'

ClinVar aggregate classification (germline): Uncertain significance (1 of 4 stars; one submission).

Submission:

Labcorp Genetics (formerly Invitae), Labcorp
Classification: Uncertain significance. Last evaluated: 2025-11-24. Review status: criteria provided, single submitter. Criteria: Invitae Variant Classification Sherloc (09022015). Collection method: clinical testing. Allele origin: germline.
Comment: This variant, c.362_364del, results in the deletion of 1 amino acid(s) of the HTRA2 protein (p.Leu121del), but otherwise preserves the integrity of the reading frame. The frequency data for this variant in the population databases is considered unreliable, as metrics indicate poor data quality at this position in the gnomAD database. This variant has not been reported in the literature in individuals affected with HTRA2-related conditions. Experimental studies and prediction algorithms are not available or were not evaluated, and the functional significance of this variant is currently unknown. In summary, the available evidence is currently insufficient to determine the role of this variant in disease. Therefore, it has been classified as a Variant of Uncertain Significance.